The following is an entry in ClinVar:

NM_000352.6(ABCC8):c.1571_1588del (p.Thr524_Glu529del)

Gene: ABCC8 (ATP binding cassette subfamily C member 8; minus strand). Cytogenetic location: 11p15.1.
Variant type: Deletion.
Coding change: c.1571_1588del on transcript NM_000352.6 (MANE Select); coding-DNA positions 1571 to 1588, 18 bases deleted (CGACCCGCAGGAAGGAGA).
Protein change: p.Thr524_Glu529del.
Molecular consequence: inframe deletion. On other transcripts: non-coding transcript variant (1).
Genome position (GRCh38, 1-based): chr11:17,442,762-17,442,779, TCTCCTTCCTGCGGGTCG deleted on the plus strand (CGACCCGCAGGAAGGAGA on the coding strand, the reverse complement: ABCC8 is on the minus strand); deleting any 18 consecutive bases within chr11:17,442,762-17,442,784 gives the same sequence; the c. name uses the placement nearest the transcript's 3' end. VCF-style (leftmost placement, unchanged base first): chr11-17442761-ATCTCCTTCCTGCGGGTCG-A. GRCh37 (hg19) VCF-style: chr11-17464308-ATCTCCTTCCTGCGGGTCG-A.
Other names: c.1571_1588del, p.Thr524_Glu529del (NM_001287174.3, NM_001351295.2); c.1568_1585del, p.Thr523_Glu528del (NM_001351296.2, NM_001351297.2).
Identifiers: ClinVar variation 2444144 (VCV002444144.1), dbSNP rs2496751834, ClinGen allele CA2580082736.

ClinVar aggregate classification (germline): Uncertain significance (1 of 4 stars; one submission).

Conditions:
Hyperinsulinemic hypoglycemia, familial, 1 (HHF1). Also called: HYPERINSULINISM, FAMILIAL, WITH PANCREATIC NESIDIOBLASTOSIS; HYPOGLYCEMIA, HYPERINSULINEMIC, OF INFANCY; NESIDIOBLASTOSIS OF PANCREAS; Persistent Hyperinsulinemia Hypoglycemia of Infancy; Persistent hyperinsulinemic hypoglycemia of infancy. Identifiers: Orphanet 276575, Orphanet 276598, MedGen C2931832, MONDO:0009734, OMIM 256450.

Submission:

3billion
Classification: Uncertain significance for Hyperinsulinemic hypoglycemia, familial, 1. Last evaluated: 2023-02-23. Review status: criteria provided, single submitter. Criteria: ACMG Guidelines, 2015. Collection method: clinical testing. Allele origin: unknown. Affected: yes.
Comment: The variant is not observed in the gnomAD v2.1.1 dataset. Inframe deletion located in a nonrepeat region was predicted to change the length of the protein and disrupt normal protein function. This variant is classified as VUS according to the recommendation of ACMG/AMP guideline.